The following is an entry in ClinVar:

NM_000501.4(ELN):c.906TGCAGC[1] (p.Ala308_Ala311del)

Gene: ELN (elastin; plus strand). Cytogenetic location: 7q11.23.
Variant type: Microsatellite.
Coding change: c.906TGCAGC[1] on transcript NM_000501.4 (MANE Select); one copy of the 6-base unit TGCAGC starting at c.906; the reference has three copies in a row; two copies, 12 bases deleted.
Protein change: p.Ala308_Ala311del.
Molecular consequence: inframe deletion.
Genome position (GRCh38, 1-based): chr7:74,051,946-74,051,957, TGCAGCTGCAGC deleted; deleting any 12 consecutive bases within chr7:74,051,936-74,051,957 gives the same sequence; the position shown is the placement nearest the transcript's 3' end. VCF-style (leftmost placement, unchanged base first): chr7-74051935-CCAGCTGCAGCTG-C. GRCh37 (hg19) VCF-style: chr7-73466265-CCAGCTGCAGCTG-C.
Other names: c.891TGCAGC[1], p.Ala303_Ala306del (NM_001278914.2); c.906TGCAGC[1], p.Ala308_Ala311del (NM_001278915.2, NM_001278939.2, NM_001081755.3 and 1 more transcripts); c.864TGCAGC[1], p.Ala294_Ala297del (NM_001278916.2); c.876TGCAGC[1], p.Ala298_Ala301del (NM_001278917.2, NM_001081752.3); c.774TGCAGC[1], p.Ala264_Ala267del (NM_001278918.2); c.921TGCAGC[1], p.Ala313_Ala316del (NM_001081753.3, NM_001081754.3); c.798TGCAGC[1], p.Ala272_Ala275del (NM_001278913.2).
Identifiers: ClinVar variation 1197353 (VCV001197353.8), dbSNP rs782133793, ClinGen allele CA4292756.

ClinVar aggregate classification (germline): Uncertain significance. Review status: criteria provided, multiple submitters, no conflicts (2 of 4 stars). 2 submissions from 2 submitters: Uncertain significance (2). Last evaluated 2025-12-20.

Conditions:
Supravalvar aortic stenosis (SVAS). Also called: Supravalvar aortic stenosis, Eisenberg type. Identifiers: Orphanet 3193, MedGen C0003499, MONDO:0008504, OMIM 185500, HP:0004381.

Submissions (2):

Labcorp Genetics (formerly Invitae), Labcorp
Classification: Uncertain significance for Supravalvar aortic stenosis. Last evaluated: 2025-12-20. Review status: criteria provided, single submitter. Criteria: Invitae Variant Classification Sherloc (09022015). Collection method: clinical testing. Allele origin: germline.
Comment: This variant, c.912_923del, results in the deletion of 4 amino acid(s) of the ELN protein (p.Ala308_Ala311del), but otherwise preserves the integrity of the reading frame. This variant is present in population databases (rs782133793, gnomAD 0.009%). This variant has not been reported in the literature in individuals affected with ELN-related conditions. Experimental studies and prediction algorithms are not available or were not evaluated, and the functional significance of this variant is currently unknown. In summary, the available evidence is currently insufficient to determine the role of this variant in disease. Therefore, it has been classified as a Variant of Uncertain Significance.

GeneDx
Classification: Uncertain significance. Last evaluated: 2021-02-25. Review status: criteria provided, single submitter. Criteria: GeneDx Variant Classification Process June 2021. Collection method: clinical testing. Allele origin: germline. Affected: yes.
Comment: Has not been previously published as pathogenic or benign to our knowledge; In silico analysis, which includes protein predictors and evolutionary conservation, supports a deleterious effect